The following is an entry in ClinVar:

NM_004525.3(LRP2):c.8317G>T (p.Ala2773Ser)

Gene: LRP2 (LDL receptor related protein 2; minus strand). Cytogenetic location: 2q31.1.
Variant type: single nucleotide variant.
Coding change: c.8317G>T on transcript NM_004525.3 (MANE Select); coding-DNA position 8317, G replaced by T.
Protein change: p.Ala2773Ser; replaces alanine 2773 with serine.
Molecular consequence: missense variant.
Genome position (GRCh38, 1-based): chr2:169,201,763, C>A on the plus strand (G>T on the coding strand, the complement: LRP2 is on the minus strand). VCF-style: chr2-169201763-C-A. GRCh37 (hg19) VCF-style: chr2-170058273-C-A.
Other names: short protein forms A2773S.
Identifiers: ClinVar variation 1713913 (VCV001713913.3), dbSNP rs2545795035, ClinGen allele CA349165505.

ClinVar aggregate classification (germline): Uncertain significance (1 of 4 stars; one submission).

Allele frequency attached by ClinVar (database versions not stated): gnomAD exomes below 0.00001.
gnomAD v4.1: 1 of 1,614,210 alleles (0.000062%); highest among the groups gnomAD compares: Non-Finnish European, 0.000085%; no homozygotes.

Submission:

Labcorp Genetics (formerly Invitae), Labcorp
Classification: Uncertain significance. Last evaluated: 2022-08-22. Review status: criteria provided, single submitter. Criteria: Invitae Variant Classification Sherloc (09022015). Collection method: clinical testing. Allele origin: germline.
Comment: This sequence change replaces alanine, which is neutral and non-polar, with serine, which is neutral and polar, at codon 2773 of the LRP2 protein (p.Ala2773Ser). This variant is not present in population databases (gnomAD no frequency). This variant has not been reported in the literature in individuals affected with LRP2-related conditions. Advanced modeling of protein sequence and biophysical properties (such as structural, functional, and spatial information, amino acid conservation, physicochemical variation, residue mobility, and thermodynamic stability) performed at Invitae indicates that this missense variant is not expected to disrupt LRP2 protein function. In summary, the available evidence is currently insufficient to determine the role of this variant in disease. Therefore, it has been classified as a Variant of Uncertain Significance.